The following is an entry in ClinVar:

NM_001371986.1(UNC80):c.9679_9697del (p.Ala3227fs)

Gene: UNC80 (unc-80 subunit of NALCN channel complex; plus strand). Cytogenetic location: 2q34.
Variant type: Deletion.
Coding change: c.9679_9697del on transcript NM_001371986.1 (MANE Select); coding-DNA positions 9679 to 9697, 19 bases deleted (GCGGATCTCCACAGCGTGT).
Protein change: p.Ala3227fs; shifts the reading frame from alanine 3227.
Molecular consequence: frameshift variant.
Genome position (GRCh38, 1-based): chr2:209,994,235-209,994,253, GCGGATCTCCACAGCGTGT deleted; deleting any 19 consecutive bases within chr2:209,994,234-209,994,253 gives the same sequence; the c. name uses the placement nearest the transcript's 3' end. VCF-style (leftmost placement, unchanged base first): chr2-209994233-TTGCGGATCTCCACAGCGTG-T. GRCh37 (hg19) VCF-style: chr2-210858957-TTGCGGATCTCCACAGCGTG-T.
Other names: c.9481_9499del, p.Ala3161fs (NM_032504.2); c.9409_9427del, p.Ala3137fs (NM_182587.4); short protein forms A3137fs, A3227fs, A3161fs.
Identifiers: ClinVar variation 1464164 (VCV001464164.8), dbSNP rs2125034865, ClinGen allele CA2573135257.

ClinVar aggregate classification (germline): Uncertain significance (1 of 4 stars; one submission).

Submission:

Labcorp Genetics (formerly Invitae), Labcorp
Classification: Uncertain significance. Last evaluated: 2022-07-12. Review status: criteria provided, single submitter. Criteria: Invitae Variant Classification Sherloc (09022015). Collection method: clinical testing. Allele origin: germline.
Comment: In summary, the available evidence is currently insufficient to determine the role of this variant in disease. Therefore, it has been classified as a Variant of Uncertain Significance. Experimental studies and prediction algorithms are not available or were not evaluated, and the functional significance of this variant is currently unknown. ClinVar contains an entry for this variant (Variation ID: 1464164). This variant has not been reported in the literature in individuals affected with UNC80-related conditions. This variant is not present in population databases (gnomAD no frequency). This sequence change creates a premature translational stop signal (p.Ala3161Leufs*87) in the UNC80 gene. While this is not anticipated to result in nonsense mediated decay, it is expected to disrupt the last 98 amino acid(s) of the UNC80 protein.